The following is an entry in ClinVar:

NM_000303.3(PMM2):c.179-1G>C

Gene: PMM2 (phosphomannomutase 2; plus strand). Cytogenetic location: 16p13.2.
Variant type: single nucleotide variant.
Coding change: c.179-1G>C on transcript NM_000303.3 (MANE Select); the canonical splice acceptor site of the intron before coding-DNA position 179, G replaced by C.
Molecular consequence: splice acceptor variant.
Genome position (GRCh38, 1-based): chr16:8,804,766, G>C. VCF-style: chr16-8804766-G-C. GRCh37 (hg19) VCF-style: chr16-8898623-G-C.
Other names: c.179-1G>C (NM_000303.2).
Identifiers: ClinVar variation 2677899 (VCV002677899.6), dbSNP rs1166138838, ClinGen allele CA394695760.

ClinVar aggregate classification (germline): Pathogenic/Likely pathogenic. Review status: criteria provided, multiple submitters, no conflicts (2 of 4 stars). 3 submissions from 3 submitters: Pathogenic (1); Likely pathogenic (2). Last evaluated 2024-09-24.

Conditions:
PMM2-congenital disorder of glycosylation. Also called: PMM2-CDG; CDG Ia; JAEKEN SYNDROME; Congenital disorder of glycosylation, type Ia; PHOSPHOMANNOMUTASE 2 DEFICIENCY; CARBOHYDRATE-DEFICIENT GLYCOPROTEIN SYNDROME, TYPE Ia. Identifiers: Orphanet 79318, MedGen C0349653, MONDO:0008907, OMIM 212065.

Allele frequency attached by ClinVar (database versions not stated): gnomAD exomes below 0.00001.
gnomAD v4.1: 1 of 1,610,448 alleles (0.000062%); highest among the groups gnomAD compares: Non-Finnish European, 0.000085%; no homozygotes.

Submissions (3):

Natera, Inc.
Classification: Likely pathogenic for Congenital disorder of glycosylation type 1a. Last evaluated: 2024-09-24. Review status: criteria provided, single submitter. Criteria: Natera Variant Classification Schema (03/2026). Collection method: clinical testing. Allele origin: germline.
Comment: The c.179-1G>C variant in PMM2 is a canonical splice acceptor site variant predicted to affect pre-mRNA splicing, which may result in an abnormal transcript and altered protein product. This variant is expected to result in nonsense mediated decay, truncation, or a dysfunctional protein product. This variant is rare in the general population with a frequency below the threshold expected for the associated phenotype(s). Given the available evidence, this variant is classified as Likely Pathogenic.

Baylor Genetics
Classification: Pathogenic for PMM2-congenital disorder of glycosylation. Last evaluated: 2023-12-21. Review status: criteria provided, single submitter. Criteria: ACMG Guidelines, 2015. Collection method: clinical testing. Allele origin: unknown.

Labcorp Genetics (formerly Invitae), Labcorp
Classification: Likely pathogenic for PMM2-congenital disorder of glycosylation. Last evaluated: 2023-07-11. Review status: criteria provided, single submitter. Criteria: Invitae Variant Classification Sherloc (09022015). Collection method: clinical testing. Allele origin: germline.
Comment: In summary, the currently available evidence indicates that the variant is pathogenic, but additional data are needed to prove that conclusively. Therefore, this variant has been classified as Likely Pathogenic. Algorithms developed to predict the effect of sequence changes on RNA splicing suggest that this variant may disrupt the consensus splice site. This variant has not been reported in the literature in individuals affected with PMM2-related conditions. This variant is present in population databases (no rsID available, gnomAD 0.0009%). This sequence change affects an acceptor splice site in intron 2 of the PMM2 gene. It is expected to disrupt RNA splicing. Variants that disrupt the donor or acceptor splice site typically lead to a loss of protein function (PMID: 16199547), and loss-of-function variants in PMM2 are known to be pathogenic (PMID: 19862844).

Literature cited by the submitters: PubMed 16199547 (cited by Labcorp Genetics (formerly Invitae), Labcorp); PubMed 19862844 (cited by Labcorp Genetics (formerly Invitae), Labcorp).